The following is an entry in ClinVar:

NM_000540.3(RYR1):c.2709C>G (p.His903Gln)

Gene: RYR1 (ryanodine receptor 1; plus strand). Cytogenetic location: 19q13.2.
Variant type: single nucleotide variant.
Coding change: c.2709C>G on transcript NM_000540.3 (MANE Select); coding-DNA position 2709, C replaced by G.
Protein change: p.His903Gln; replaces histidine 903 with glutamine.
Molecular consequence: missense variant.
Genome position (GRCh38, 1-based): chr19:38,463,773, C>G. VCF-style: chr19-38463773-C-G. GRCh37 (hg19) VCF-style: chr19-38954413-C-G.
Other names: c.2709C>G (NM_000540.2); c.2709C>G, p.His903Gln (NM_001042723.2); short protein forms H903Q.
Identifiers: ClinVar variation 1063164 (VCV001063164.9), dbSNP rs1007637405, ClinGen allele CA16622094.

ClinVar aggregate classification (germline): Uncertain significance. Review status: criteria provided, multiple submitters, no conflicts (2 of 4 stars). 4 submissions from 4 submitters: Uncertain significance (4). Last evaluated 2025-04-08.

Conditions:
RYR1-related disorder. Also called: RYR1-related disorders; RYR1-related condition. Identifiers: MedGen CN239331.
Malignant hyperthermia, susceptibility to, 1 (MHS1). Also called: Anesthesia related hyperthermia; Malignant hyperpyrexia; Fulminating hyperpyrexia; Pharmacogenic myopathy; Malignant hyperthermia suceptibility 1; RYR1-Related Malignant Hyperthermia Susceptibility. Identifiers: Orphanet 423, MedGen C2930980, MONDO:0007783, OMIM 145600.

Allele frequency attached by ClinVar (database versions not stated): TOPMed below 0.00001; gnomAD 0.00001.
gnomAD v4.1: 5 of 1,613,948 alleles (0.00031%); highest among the groups gnomAD compares: Admixed American, 0.005%; no homozygotes.

Submissions (4):

GeneDx
Classification: Uncertain significance. Last evaluated: 2025-04-08. Review status: criteria provided, single submitter. Criteria: GeneDx Variant Classification Process June 2021. Collection method: clinical testing. Allele origin: germline. Affected: yes.
Comment: Not observed at significant frequency in large population cohorts (gnomAD); In silico analysis supports that this missense variant has a deleterious effect on protein structure/function; Has not been previously published as pathogenic or benign to our knowledge

Blueprint Genetics
Classification: Uncertain significance. Last evaluated: 2024-09-02. Review status: criteria provided, single submitter. Criteria: ACMG Guidelines, 2015. Collection method: clinical testing. Allele origin: germline.

All of Us Research Program, National Institutes of Health
Classification: Uncertain significance for Malignant hyperthermia, susceptibility to, 1. Last evaluated: 2023-12-01. Review status: criteria provided, single submitter. Criteria: ACMG Guidelines, 2015. Collection method: clinical testing. Allele origin: germline. Inheritance: Autosomal dominant inheritance. Observed: 1 variant allele, 1 heterozygote.
Comment: This study involves interpretation of variants in research participants for the purpose of population health screening. Participant phenotype was not available at the time of variant classification. Additional details can be found in publication PMID: 35346344, PMCID: PMC8962531

Labcorp Genetics (formerly Invitae), Labcorp
Classification: Uncertain significance for RYR1-related disorder. Last evaluated: 2021-09-01. Review status: criteria provided, single submitter. Criteria: Invitae Variant Classification Sherloc (09022015). Collection method: clinical testing. Allele origin: germline.
Comment: This sequence change replaces histidine with glutamine at codon 903 of the RYR1 protein (p.His903Gln). The histidine residue is highly conserved and there is a small physicochemical difference between histidine and glutamine. This variant is not present in population databases (ExAC no frequency). This variant has not been reported in the literature in individuals affected with RYR1-related conditions. Algorithms developed to predict the effect of missense changes on protein structure and function are either unavailable or do not agree on the potential impact of this missense change (SIFT: "Deleterious"; PolyPhen-2: "Probably Damaging"; Align-GVGD: "Class C0"). In summary, the available evidence is currently insufficient to determine the role of this variant in disease. Therefore, it has been classified as a Variant of Uncertain Significance.